The following is an entry in ClinVar:

NM_000784.4(CYP27A1):c.1298G>A (p.Arg433Gln)

Gene: CYP27A1 (cytochrome P450 family 27 subfamily A member 1; plus strand). Cytogenetic location: 2q35.
Variant type: single nucleotide variant.
Coding change: c.1298G>A on transcript NM_000784.4 (MANE Select); coding-DNA position 1298, G replaced by A.
Protein change: p.Arg433Gln; replaces arginine 433 with glutamine.
Molecular consequence: missense variant.
Genome position (GRCh38, 1-based): chr2:218,814,579, G>A. VCF-style: chr2-218814579-G-A. GRCh37 (hg19) VCF-style: chr2-219679302-G-A.
Other names: c.1298G>A (NM_000784.3); short protein forms R433Q.
Identifiers: ClinVar variation 287005 (VCV000287005.9), dbSNP rs201107032, ClinGen allele CA2112870.

ClinVar aggregate classification (germline): Uncertain significance. Review status: criteria provided, multiple submitters, no conflicts (2 of 4 stars). 4 submissions from 4 submitters: Uncertain significance (3). 1 of the submissions does not count toward it. Last evaluated 2024-03-29.

Conditions:
CYP27A1-related disorder. Also called: CYP27A1-related condition.
Cholestanol storage disease (CTX). Also called: Cerebrotendinous Xanthomatosis; CTX: Cerebrotendinous xanthomatosis; CEREBRAL CHOLESTERINOSIS. Identifiers: Orphanet 909, MedGen C0238052, MONDO:0008948, OMIM 213700.

Allele frequency attached by ClinVar (database versions not stated): ExAC 0.00002; gnomAD 0.00002 and 0.00003; TOPMed 0.00004; 1000 Genomes Project 30x 0.00016; 1000 Genomes Project 0.00020.
gnomAD v4.1: 32 of 1,614,156 alleles (0.002%); highest among the groups gnomAD compares: East Asian, 0.0067%; no homozygotes.

Submissions (4):

Genomic Medicine Center of Excellence, King Faisal Specialist Hospital and Research Centre
Classification: Uncertain significance for Cholestanol storage disease. Last evaluated: 2024-03-29. Review status: criteria provided, single submitter. Criteria: ACMG Guidelines, 2015. Collection method: clinical testing. Allele origin: germline.

Labcorp Genetics (formerly Invitae), Labcorp
Classification: Uncertain significance for Cholestanol storage disease. Last evaluated: 2022-10-05. Review status: criteria provided, single submitter. Criteria: Invitae Variant Classification Sherloc (09022015). Collection method: clinical testing. Allele origin: germline.
Comment: This sequence change replaces arginine, which is basic and polar, with glutamine, which is neutral and polar, at codon 433 of the CYP27A1 protein (p.Arg433Gln). This variant is present in population databases (rs201107032, gnomAD 0.002%). This missense change has been observed in individual(s) with cerebrotendinous xanthomatosis (PMID: 33414089). In at least one individual the data is consistent with being in trans (on the opposite chromosome) from a pathogenic variant. ClinVar contains an entry for this variant (Variation ID: 287005). Advanced modeling of protein sequence and biophysical properties (such as structural, functional, and spatial information, amino acid conservation, physicochemical variation, residue mobility, and thermodynamic stability) has been performed at Invitae for this missense variant, however the output from this modeling did not meet the statistical confidence thresholds required to predict the impact of this variant on CYP27A1 protein function. Algorithms developed to predict the effect of sequence changes on RNA splicing suggest that this variant may create or strengthen a splice site. In summary, the available evidence is currently insufficient to determine the role of this variant in disease. Therefore, it has been classified as a Variant of Uncertain Significance.

Eurofins Ntd Llc (ga)
Classification: Uncertain significance. Last evaluated: 2017-06-09. Review status: criteria provided, single submitter. Criteria: EGL Classification Definitions 2015. Collection method: clinical testing. Allele origin: germline. Observed: 2 variant alleles, 2 heterozygotes.

PreventionGenetics, part of Exact Sciences
Classification: Uncertain significance for CYP27A1-related condition. Last evaluated: 2024-05-07. Review status: no assertion criteria provided. Collection method: clinical testing. Allele origin: germline. Not counted in ClinVar's aggregate classification.
Comment: The CYP27A1 c.1298G>A variant is predicted to result in the amino acid substitution p.Arg433Gln. This variant was reported in compound heterozygous state in individual with cerebrotendinous xanthomatosis and in a patient with low GGT cholestasis whose full genotype was not provided (Zhang et al 2021. PubMed ID: 33414089; Table S5, Qiu et al. 2017. Pubmed ID: 29053197). This variant is predicted to alter splicing based on available splicing prediction software (SpliceAI, Jaganathan et al. 2019. PubMed ID: 30661751). However, the use of computer prediction software is not equivalent to functional evidence. This variant is reported in 0.0054% of alleles in individuals of East Asian descent in gnomAD. At this time, the clinical significance of this variant is uncertain due to the absence of conclusive functional and genetic evidence.

Literature cited by the submitters: PubMed 33414089 (cited by Labcorp Genetics (formerly Invitae), Labcorp).